The following is an entry in ClinVar:

NM_006231.4(POLE):c.5811+5G>A

Gene: POLE (DNA polymerase epsilon, catalytic subunit; minus strand). Cytogenetic location: 12q24.33.
Variant type: single nucleotide variant.
Coding change: c.5811+5G>A on transcript NM_006231.4 (MANE Select); 5 bases into the intron after coding-DNA position 5811, G replaced by A.
Molecular consequence: intron variant.
Genome position (GRCh38, 1-based): chr12:132,635,887, C>T on the plus strand (G>A on the coding strand, the complement: POLE is on the minus strand). VCF-style: chr12-132635887-C-T. GRCh37 (hg19) VCF-style: chr12-133212473-C-T.
Identifiers: ClinVar variation 484591 (VCV000484591.16), dbSNP rs562946055, ClinGen allele CA6892393.

ClinVar aggregate classification (germline): Conflicting classifications of pathogenicity. Review status: criteria provided, conflicting classifications (1 of 4 stars). 4 submissions from 4 submitters: Uncertain significance (3); Likely benign (1). Last evaluated 2025-12-24.

Conditions:
Hereditary cancer-predisposing syndrome. Also called: Neoplastic Syndromes, Hereditary; Tumor predisposition; Hereditary Cancer Syndrome; Hereditary neoplastic syndrome. Identifiers: Orphanet 140162, MedGen C0027672, MeSH D009386, MONDO:0015356.

Allele frequency attached by ClinVar (database versions not stated): gnomAD exomes 0.00002; TOPMed 0.00002; ExAC 0.00003; gnomAD 0.00004 and 0.00005; 1000 Genomes Project 0.00040; 1000 Genomes Project 30x 0.00062.
gnomAD v4.1: 12 of 1,608,588 alleles (0.00075%); highest among the groups gnomAD compares: African/African-American, 0.015%; no homozygotes.

Submissions (4):

Labcorp Genetics (formerly Invitae), Labcorp
Classification: Likely benign. Last evaluated: 2025-12-24. Review status: criteria provided, single submitter. Criteria: Invitae Variant Classification Sherloc (09022015). Collection method: clinical testing. Allele origin: germline.

Ambry Genetics
Classification: Uncertain significance for Hereditary cancer-predisposing syndrome. Last evaluated: 2025-01-12. Review status: criteria provided, single submitter. Criteria: Ambry Variant Classification Scheme 2023. Collection method: clinical testing. Allele origin: germline.
Comment: The c.5811+5G>A intronic variant results from a G to A substitution 5 nucleotides after coding exon 42 in the POLE gene. This nucleotide position is well conserved in available vertebrate species. In silico splice site analysis predicts that this alteration will weaken the native splice donor site. Based on the available evidence, the clinical significance of this variant remains unclear.

GeneDx
Classification: Uncertain significance. Last evaluated: 2023-02-07. Review status: criteria provided, single submitter. Criteria: GeneDx Variant Classification Process June 2021. Collection method: clinical testing. Allele origin: germline. Affected: yes.
Comment: In silico analysis supports a deleterious effect on splicing; Has not been previously published as pathogenic or benign to our knowledge

Quest Diagnostics Nichols Institute San Juan Capistrano
Classification: Uncertain significance. Last evaluated: 2020-04-12. Review status: criteria provided, single submitter. Criteria: Quest Diagnostics criteria. Collection method: clinical testing. Allele origin: unknown.